The following is an entry in ClinVar:

ClinVar aggregate classification (germline): Uncertain significance (1 of 4 stars; one submission).

Submission:

Labcorp Genetics (formerly Invitae), Labcorp
Classification: Uncertain significance. Last evaluated: 2023-05-22. Review status: criteria provided, single submitter. Criteria: Invitae Variant Classification Sherloc (09022015). Collection method: clinical testing. Allele origin: germline.
Comment: Advanced modeling of protein sequence and biophysical properties (such as structural, functional, and spatial information, amino acid conservation, physicochemical variation, residue mobility, and thermodynamic stability) performed at Invitae indicates that this missense variant is expected to disrupt DEAF1 protein function. In summary, the available evidence is currently insufficient to determine the role of this variant in disease. Therefore, it has been classified as a Variant of Uncertain Significance. This variant has not been reported in the literature in individuals affected with DEAF1-related conditions. This variant is not present in population databases (gnomAD no frequency). This sequence change replaces proline, which is neutral and non-polar, with arginine, which is basic and polar, at codon 430 of the DEAF1 protein (p.Pro430Arg).

NM_021008.4(DEAF1):c.1289C>G (p.Pro430Arg)

Genes: DEAF1 (DEAF1 transcription factor; minus strand), LOC126861109 (BRD4-independent group 4 enhancer GRCh37_chr11:673917-675116; plus strand). Cytogenetic location: 11p15.5.
Variant type: single nucleotide variant.
Coding change: c.1289C>G on transcript NM_021008.4 (MANE Select); coding-DNA position 1289, C replaced by G.
Protein change: p.Pro430Arg; replaces proline 430 with arginine.
Molecular consequence: missense variant.
Genome position (GRCh38, 1-based): chr11:674,750, G>C on the plus strand (C>G on the coding strand, the complement: DEAF1 is on the minus strand). VCF-style: chr11-674750-G-C. GRCh37 (hg19) VCF-style: chr11-674750-G-C.
Other names: c.1022C>G, p.Pro341Arg (NM_001293634.2); c.563C>G, p.Pro188Arg (NM_001367390.1); short protein forms P341R, P188R, P430R.
Identifiers: ClinVar variation 2893876 (VCV002893876.3), dbSNP rs2494380194, ClinGen allele CA378924439.
Genomic context (GRCh38, chr11:674,750, plus strand): 5'-GGCTCTGACAGCTCCAGCCCATTGACCAACGCGGGAGGTGCCGCTTTGGTGGGAGTCGGG[G>C]GTGGGACCGCCAGCGCAGGCAGGGATGTCAACACTAGAGCATTTGGAAAGCAAAACAAAC-3'
Protein context (NP_066288.2, residues 420-440): LTSLPALAVP[Pro430Arg]PTPTKAAPPA